The following is an entry in ClinVar:

NM_000155.4(GALT):c.3G>A (p.Met1Ile)

Gene: GALT (galactose-1-phosphate uridylyltransferase; plus strand). Cytogenetic location: 9p13.3.
Variant type: single nucleotide variant.
Coding change: c.3G>A on transcript NM_000155.4 (MANE Select); coding-DNA position 3, G replaced by A.
Protein change: p.Met1Ile; changes the start codon (methionine 1).
Molecular consequence: missense variant, initiator codon variant. On other transcripts: 5 prime UTR variant (1).
Genome position (GRCh38, 1-based): chr9:34,646,707, G>A. VCF-style: chr9-34646707-G-A. GRCh37 (hg19) VCF-style: chr9-34646704-G-A.
Other names: c.-200G>A (NM_001258332.2); short protein forms M1I.
Identifiers: ClinVar variation 4817629 (VCV004817629.1).

ClinVar aggregate classification (germline): Likely pathogenic (1 of 4 stars; one submission).

Conditions:
Galactosemia. Also called: Galactose intolerance. Identifiers: Orphanet 352, MedGen C0016952, MONDO:0018116, HP:0004919. Disease mechanism: loss of function.

Submission:

Natera, Inc.
Classification: Likely pathogenic for Galactosemia. Last evaluated: 2024-10-16. Review status: criteria provided, single submitter. Criteria: Natera Variant Classification Schema (03/2026). Collection method: clinical testing. Allele origin: germline.
Comment: The c.3G>A variant in GALT is predicted to result in start loss due to disruption of the initiator methionine. This variant is expected to result in nonsense mediated decay, truncation, or a dysfunctional protein product. This variant is rare in the general population with a frequency below the threshold expected for the associated phenotype(s). Given the available evidence, this variant is classified as Likely Pathogenic.